The following is an entry in ClinVar:

NM_001252024.2(TRPM1):c.134C>T (p.Ala45Val)

Gene: TRPM1 (transient receptor potential cation channel subfamily M member 1; minus strand). Cytogenetic location: 15q13.3.
Variant type: single nucleotide variant.
Coding change: c.134C>T on transcript NM_001252024.2 (MANE Select); coding-DNA position 134, C replaced by T.
Protein change: p.Ala45Val; replaces alanine 45 with valine.
Molecular consequence: missense variant.
Genome position (GRCh38, 1-based): chr15:31,070,176, G>A on the plus strand (C>T on the coding strand, the complement: TRPM1 is on the minus strand). VCF-style: chr15-31070176-G-A. GRCh37 (hg19) VCF-style: chr15-31362379-G-A.
Other names: c.185C>T, p.Ala62Val (NM_001252020.2); c.68C>T, p.Ala23Val (NM_001252030.2, NM_002420.6); short protein forms A23V, A45V, A62V.
Identifiers: ClinVar variation 1714311 (VCV001714311.5), dbSNP rs1346630503, ClinGen allele CA391537480.

ClinVar aggregate classification (germline): Uncertain significance (1 of 4 stars; one submission).

Allele frequency attached by ClinVar (database versions not stated): TOPMed 0.00002.

Submission:

Labcorp Genetics (formerly Invitae), Labcorp
Classification: Uncertain significance. Last evaluated: 2022-07-30. Review status: criteria provided, single submitter. Criteria: Invitae Variant Classification Sherloc (09022015). Collection method: clinical testing. Allele origin: germline.
Comment: In summary, the available evidence is currently insufficient to determine the role of this variant in disease. Therefore, it has been classified as a Variant of Uncertain Significance. Algorithms developed to predict the effect of missense changes on protein structure and function output the following: SIFT: "Tolerated"; PolyPhen-2: "Benign"; Align-GVGD: "Class C0". The valine amino acid residue is found in multiple mammalian species, which suggests that this missense change does not adversely affect protein function. This variant has not been reported in the literature in individuals affected with TRPM1-related conditions. This variant is not present in population databases (gnomAD no frequency). This sequence change replaces alanine, which is neutral and non-polar, with valine, which is neutral and non-polar, at codon 23 of the TRPM1 protein (p.Ala23Val).